The following is an entry in ClinVar:

NM_015267.4(CUX2):c.3702T>G (p.Asp1234Glu)

Gene: CUX2 (cut like homeobox 2; plus strand). Cytogenetic location: 12q24.12.
Variant type: single nucleotide variant.
Coding change: c.3702T>G on transcript NM_015267.4 (MANE Select); coding-DNA position 3702, T replaced by G.
Protein change: p.Asp1234Glu; replaces aspartic acid 1234 with glutamic acid.
Molecular consequence: missense variant.
Genome position (GRCh38, 1-based): chr12:111,347,566, T>G. VCF-style: chr12-111347566-T-G. GRCh37 (hg19) VCF-style: chr12-111785370-T-G.
Other names: c.3702T>G (NM_015267.3); c.3516T>G, p.Asp1172Glu (NM_001370598.1); short protein forms D1172E, D1234E.
Identifiers: ClinVar variation 1701211 (VCV001701211.33), dbSNP rs1353211680, ClinGen allele CA386721191.

ClinVar aggregate classification (germline): Conflicting classifications of pathogenicity. Review status: criteria provided, conflicting classifications (1 of 4 stars). 3 submissions from 3 submitters: Uncertain significance (1); Likely benign (1). 1 of the submissions does not count toward it. Last evaluated 2025-10-02.

Conditions:
Developmental and epileptic encephalopathy, 67. Also called: EPILEPTIC ENCEPHALOPATHY, EARLY INFANTILE, 67. Identifiers: MedGen C4748341, MONDO:0029138, OMIM 618141.
Inborn genetic diseases. Identifiers: MedGen C0950123, MeSH D030342.

Allele frequency attached by ClinVar (database versions not stated): gnomAD exomes below 0.00001 and 0.00001; TOPMed below 0.00001; gnomAD 0.00001.
gnomAD v4.1: 15 of 1,610,992 alleles (0.00093%); highest among the groups gnomAD compares: Middle Eastern, 0.05%; no homozygotes.

Submissions (3):

Ambry Genetics
Classification: Uncertain significance for Inborn genetic diseases. Last evaluated: 2025-10-02. Review status: criteria provided, single submitter. Criteria: Ambry Variant Classification Scheme 2023. Collection method: clinical testing. Allele origin: germline.

CeGaT Center for Human Genetics Tuebingen
Classification: Likely benign. Last evaluated: 2022-07-01. Review status: criteria provided, single submitter. Criteria: CeGaT Center For Human Genetics Tuebingen Variant Classification Criteria Version 2. Collection method: clinical testing. Allele origin: germline. Affected: yes. Observed: 1 variant allele.
Comment: CUX2: BP4

Institute of Human Genetics, University of Goettingen
Classification: Uncertain significance for Developmental and epileptic encephalopathy, 67. Last evaluated: 2022-09-26. Review status: no assertion criteria provided. Collection method: clinical testing. Allele origin: unknown. Inheritance: Sporadic. Affected: yes. Not counted in ClinVar's aggregate classification.